The following is an entry in ClinVar:

ClinVar aggregate classification (germline): Uncertain significance. Review status: criteria provided, multiple submitters, no conflicts (2 of 4 stars). 3 submissions from 3 submitters: Uncertain significance (3). Last evaluated 2026-03-16.

Conditions:
Autosomal recessive hypophosphatemic bone disease (HHRH). Also called: HYPERCALCIURIC RICKETS; Hypophosphatemic rickets with hypercalciuria. Identifiers: Orphanet 157215, MedGen C1853271, MONDO:0009431, OMIM 241530.
Inborn genetic diseases. Identifiers: MedGen C0950123, MeSH D030342.

Allele frequency attached by ClinVar (database versions not stated): gnomAD 0.00002; 1000 Genomes Project 30x 0.00016; 1000 Genomes Project 0.00020.
gnomAD v4.1: 32 of 1,612,174 alleles (0.002%); highest among the groups gnomAD compares: Admixed American, 0.023%; no homozygotes.

Submissions (3):

Women's Health and Genetics/Laboratory Corporation of America, LabCorp
Classification: Uncertain significance. Last evaluated: 2026-03-16. Review status: criteria provided, single submitter. Criteria: LabCorp Variant Classification Summary - May 2015. Collection method: clinical testing. Allele origin: germline.
Comment: Variant summary: SLC34A3 c.394G>A (p.Val132Met) results in a conservative amino acid change in the encoded protein sequence. Algorithms developed to predict the effect of missense changes on protein structure and function are either unavailable or do not agree on the potential impact of this missense change. The variant allele was found at a frequency of 6.9e-05 in 246878 control chromosomes. This frequency is not significantly higher than estimated for disease-causing variants in SLC34A3, allowing no conclusion about variant significance. To our knowledge, no occurrence of c.394G>A in individuals affected with SLC34A3-related conditions and no experimental evidence demonstrating its impact on protein function have been reported. ClinVar contains an entry for this variant (Variation ID: 2409641). Based on the evidence outlined above, the variant was classified as uncertain significance.

Fulgent Genetics
Classification: Uncertain significance for Autosomal recessive hypophosphatemic bone disease. Last evaluated: 2024-03-25. Review status: criteria provided, single submitter. Criteria: ACMG Guidelines, 2015. Collection method: clinical testing. Allele origin: germline.

Ambry Genetics
Classification: Uncertain significance for Inborn genetic diseases. Last evaluated: 2022-08-17. Review status: criteria provided, single submitter. Criteria: Ambry Variant Classification Scheme 2023. Collection method: clinical testing. Allele origin: germline.

NM_001177316.2(SLC34A3):c.394G>A (p.Val132Met)

Gene: SLC34A3 (solute carrier family 34 member 3; plus strand). Cytogenetic location: 9q34.3.
Variant type: single nucleotide variant.
Coding change: c.394G>A on transcript NM_001177316.2 (MANE Select); coding-DNA position 394, G replaced by A.
Protein change: p.Val132Met; replaces valine 132 with methionine.
Molecular consequence: missense variant.
Genome position (GRCh38, 1-based): chr9:137,232,873, G>A. VCF-style: chr9-137232873-G-A. GRCh37 (hg19) VCF-style: chr9-140127325-G-A.
Other names: c.394G>A, p.Val132Met (NM_001177317.2, NM_080877.3); short protein forms V132M.
Identifiers: ClinVar variation 2409641 (VCV002409641.4), dbSNP rs201369751, ClinGen allele CA5364366.
Genomic context (GRCh38, chr9:137,232,873, plus strand): 5'-AACGTGGTGCTGTCCAACCCTGTGGCTGGACTGGTCATTGGCGTGCTGGTCACAGCCCTG[G>A]TGCAGAGTTCCAGCACGTCCTCCTCCATCGTGGTCAGCATGGTGGCTGCTAAGCGTGGGT-3'
Protein context (NP_001170787.2, residues 122-142): LVIGVLVTAL[Val132Met]QSSSTSSSIV